The following is an entry in ClinVar:

NM_000334.4(SCN4A):c.4615G>C (p.Asp1539His)

Genes: GH-LCR (growth hormone locus control region; plus strand), SCN4A (sodium voltage-gated channel alpha subunit 4; minus strand). Cytogenetic location: 17q23.3.
Variant type: single nucleotide variant.
Coding change: c.4615G>C on transcript NM_000334.4 (MANE Select); coding-DNA position 4615, G replaced by C.
Protein change: p.Asp1539His; replaces aspartic acid 1539 with histidine.
Molecular consequence: missense variant.
Genome position (GRCh38, 1-based): chr17:63,941,667, C>G on the plus strand (G>C on the coding strand, the complement: SCN4A is on the minus strand). VCF-style: chr17-63941667-C-G. GRCh37 (hg19) VCF-style: chr17-62019027-C-G.
Other names: short protein forms D1539H.
Identifiers: ClinVar variation 3651737 (VCV003651737.2).

ClinVar aggregate classification (germline): Uncertain significance (1 of 4 stars; one submission).

Conditions:
Hyperkalemic periodic paralysis. Also called: Familial hyperkalemic periodic paralysis; Gamstorp disease. Identifiers: Orphanet 682, MedGen C0238357, MONDO:0008224, OMIM 170500, HP:0007215.

Submission:

Labcorp Genetics (formerly Invitae), Labcorp
Classification: Uncertain significance for Hyperkalemic periodic paralysis. Last evaluated: 2024-05-01. Review status: criteria provided, single submitter. Criteria: Invitae Variant Classification Sherloc (09022015). Collection method: clinical testing. Allele origin: germline.
Comment: This sequence change replaces aspartic acid, which is acidic and polar, with histidine, which is basic and polar, at codon 1539 of the SCN4A protein (p.Asp1539His). This variant is not present in population databases (gnomAD no frequency). This variant has not been reported in the literature in individuals affected with SCN4A-related conditions. Advanced modeling of protein sequence and biophysical properties (such as structural, functional, and spatial information, amino acid conservation, physicochemical variation, residue mobility, and thermodynamic stability) performed at Invitae indicates that this missense variant is expected to disrupt SCN4A protein function with a positive predictive value of 80%. In summary, the available evidence is currently insufficient to determine the role of this variant in disease. Therefore, it has been classified as a Variant of Uncertain Significance.